The following is an entry in ClinVar:

NM_002734.5(PRKAR1A):c.71A>G (p.Lys24Arg)

Gene: PRKAR1A (protein kinase cAMP-dependent type I regulatory subunit alpha; plus strand). Cytogenetic location: 17q24.2.
Variant type: single nucleotide variant.
Coding change: c.71A>G on transcript NM_002734.5 (MANE Select); coding-DNA position 71, A replaced by G.
Protein change: p.Lys24Arg; replaces lysine 24 with arginine.
Molecular consequence: missense variant.
Genome position (GRCh38, 1-based): chr17:68,515,470, A>G. VCF-style: chr17-68515470-A-G. GRCh37 (hg19) VCF-style: chr17-66511611-A-G.
Other names: c.71A>G, p.Lys24Arg (NM_001276289.2, NM_001276290.1, NM_001278433.2 and 4 more transcripts); short protein forms K24R.
Identifiers: ClinVar variation 406172 (VCV000406172.15), dbSNP rs763158372, ClinGen allele CA8729151.
Genomic context (GRCh38, chr17:68,515,470, plus strand): 5'-GCAGTACCGCCGCCAGTGAGGAGGCACGCAGCCTTCGAGAATGTGAGCTCTACGTCCAGA[A>G]GCATAACATTCAAGCGCTGCTCAAAGATTCTATTGTGCAGTTGTGCACTGCTCGACCTGA-3'
Protein context (NP_002725.1, residues 14-34): SLRECELYVQ[Lys24Arg]HNIQALLKDS

ClinVar aggregate classification (germline): Uncertain significance. Review status: criteria provided, multiple submitters, no conflicts (2 of 4 stars). 4 submissions from 4 submitters: Uncertain significance (4). Last evaluated 2025-08-17.

Conditions:
Acrodysostosis 1 with or without hormone resistance (ACRDYS1). Also called: ACRODYSOSTOSIS WITH HORMONE RESISTANCE; ACRODYSOSTOSIS 1 WITH HORMONE RESISTANCE; ACRODYSOSTOSIS 1 WITHOUT HORMONE RESISTANCE. Identifiers: Orphanet 280651, MedGen C3276228, MONDO:0007044, OMIM 101800.
Hereditary cancer-predisposing syndrome. Also called: Hereditary Cancer Syndrome; Hereditary neoplastic syndrome; Neoplastic Syndromes, Hereditary; Tumor predisposition. Identifiers: Orphanet 140162, MedGen C0027672, MeSH D009386, MONDO:0015356.
Carney complex, type 1 (CNC1). Also called: CARNEY MYXOMA-ENDOCRINE COMPLEX; CARNEY COMPLEX, TYPE I. Identifiers: Orphanet 1359, MedGen C2607929, MONDO:0008057, OMIM 160980.

Allele frequency attached by ClinVar (database versions not stated): gnomAD 0.00001; gnomAD exomes 0.00001; ExAC 0.00002; TOPMed 0.00002.

Submissions (4):

Labcorp Genetics (formerly Invitae), Labcorp
Classification: Uncertain significance for Carney complex, type 1. Last evaluated: 2025-08-17. Review status: criteria provided, single submitter. Criteria: Invitae Variant Classification Sherloc (09022015). Collection method: clinical testing. Allele origin: germline.
Comment: This sequence change replaces lysine, which is basic and polar, with arginine, which is basic and polar, at codon 24 of the PRKAR1A protein (p.Lys24Arg). This variant is present in population databases (rs763158372, gnomAD 0.002%). This variant has not been reported in the literature in individuals affected with PRKAR1A-related conditions. ClinVar contains an entry for this variant (Variation ID: 406172). Invitae Evidence Modeling incorporating data from in vitro experimental studies (internal data) indicates that this missense variant is expected to disrupt PRKAR1A function with a positive predictive value of 95%. In summary, the available evidence is currently insufficient to determine the role of this variant in disease. Therefore, it has been classified as a Variant of Uncertain Significance.

Ambry Genetics
Classification: Uncertain significance for Hereditary cancer-predisposing syndrome. Last evaluated: 2025-04-05. Review status: criteria provided, single submitter. Criteria: Ambry Variant Classification Scheme 2023. Collection method: clinical testing. Allele origin: germline.
Comment: The p.K24R variant (also known as c.71A>G), located in coding exon 1 of the PRKAR1A gene, results from an A to G substitution at nucleotide position 71. The lysine at codon 24 is replaced by arginine, an amino acid with highly similar properties. This amino acid position is highly conserved in available vertebrate species. In addition, the in silico prediction for this alteration is inconclusive. Since supporting evidence is limited at this time, the clinical significance of this alteration remains unclear.

ARUP Laboratories, Molecular Genetics and Genomics, ARUP Laboratories
Classification: Uncertain significance. Last evaluated: 2024-11-13. Review status: criteria provided, single submitter. Criteria: ARUP Molecular Germline Variant Investigation Process 2024. Collection method: clinical testing. Allele origin: germline.
Comment: The PRKAR1A c.71A>G; p.Lys24Arg variant (rs763158372), to our knowledge, is not reported in the medical literature but is reported in ClinVar (Variation ID: 406172). This variant is only observed on two alleles in the Genome Aggregation Database (v2.1.1), indicating it is not a common polymorphism. Computational analyses are uncertain whether this variant is neutral or deleterious (REVEL: 0.227). Due to limited information, the clinical significance of this variant is uncertain at this time.

Baylor Genetics
Classification: Uncertain significance for Acrodysostosis 1 with or without hormone resistance. Last evaluated: 2023-09-02. Review status: criteria provided, single submitter. Criteria: ACMG Guidelines, 2015. Collection method: clinical testing. Allele origin: unknown.